The following is an entry in ClinVar:

ClinVar aggregate classification (germline): Uncertain significance. Review status: criteria provided, multiple submitters, no conflicts (2 of 4 stars). 5 submissions from 5 submitters: Uncertain significance (4). 1 of the submissions does not count toward it. Last evaluated 2026-03-11.

Conditions:
Cardiomyopathy (CMYO). Also called: Cardiomyopathies. Identifiers: Orphanet 167848, MedGen C0878544, MONDO:0004994, HP:0001638. Inheritance: Various modes of inheritance.
Arrhythmogenic right ventricular dysplasia 10. Also called: Arrhythmogenic Right Ventricular Dysplasia/Cardiomyopathy10; ARRHYTHMOGENIC RIGHT VENTRICULAR DYSPLASIA, FAMILIAL, 10; Arrhythmogenic right ventricular dysplasia/cardiomyopathy, type 10. Identifiers: MedGen C1857777, MONDO:0012434, OMIM 610193.
Hypertrophic cardiomyopathy. Also called: HYPERTROPHIC MYOCARDIOPATHY. Identifiers: Orphanet 217569, MedGen C0007194, MeSH D002312, MONDO:0005045, HP:0001639.
Cardiovascular phenotype. Identifiers: MedGen CN230736.

Allele frequency attached by ClinVar (database versions not stated): gnomAD exomes below 0.00001; TOPMed 0.00001.
gnomAD v4.1: 1 of 1,614,162 alleles (0.000062%); highest among the groups gnomAD compares: Non-Finnish European, 0.000085%; no homozygotes.

Submissions (5):

Ambry Genetics
Classification: Uncertain significance for Cardiovascular phenotype. Last evaluated: 2026-03-11. Review status: criteria provided, single submitter. Criteria: Ambry Variant Classification Scheme 2023. Collection method: clinical testing. Allele origin: germline.
Comment: The p.G577R variant (also known as c.1729G>C), located in coding exon 12 of the DSG2 gene, results from a G to C substitution at nucleotide position 1729. The glycine at codon 577 is replaced by arginine, an amino acid with dissimilar properties. This amino acid position is conserved. In addition, this alteration is predicted to be deleterious by in silico analysis. Based on the available evidence, the clinical significance of this variant remains unclear.

GeneDx
Classification: Uncertain significance. Last evaluated: 2025-08-01. Review status: criteria provided, single submitter. Criteria: GeneDx Variant Classification Process June 2021. Collection method: clinical testing. Allele origin: germline. Affected: yes.
Comment: Not observed at significant frequency in large population cohorts (gnomAD); In silico analysis supports that this missense variant has a deleterious effect on protein structure/function; Identified in a patient with HCM in published literature (PMID: 38551768); This variant is associated with the following publications: (PMID: 38551768)

Labcorp Genetics (formerly Invitae), Labcorp
Classification: Uncertain significance for Arrhythmogenic right ventricular dysplasia 10. Last evaluated: 2024-10-02. Review status: criteria provided, single submitter. Criteria: Invitae Variant Classification Sherloc (09022015). Collection method: clinical testing. Allele origin: germline.
Comment: This sequence change replaces glycine, which is neutral and non-polar, with arginine, which is basic and polar, at codon 577 of the DSG2 protein (p.Gly577Arg). This variant is not present in population databases (gnomAD no frequency). This variant has not been reported in the literature in individuals affected with DSG2-related conditions. ClinVar contains an entry for this variant (Variation ID: 2260291). Invitae Evidence Modeling of protein sequence and biophysical properties (such as structural, functional, and spatial information, amino acid conservation, physicochemical variation, residue mobility, and thermodynamic stability) indicates that this missense variant is not expected to disrupt DSG2 protein function with a negative predictive value of 95%. In summary, the available evidence is currently insufficient to determine the role of this variant in disease. Therefore, it has been classified as a Variant of Uncertain Significance.

Color Diagnostics, LLC DBA Color Health
Classification: Uncertain significance for Cardiomyopathy. Last evaluated: 2024-06-20. Review status: criteria provided, single submitter. Criteria: ACMG Guidelines, 2015. Collection method: clinical testing. Allele origin: germline.
Comment: This missense variant replaces glycine with arginine at codon 577 of the DSG2 protein. Computational prediction suggests that this variant may not impact protein structure and function. To our knowledge, functional studies have not been reported for this variant. This variant has not been reported in individuals affected with DSG2-related disorders in the literature. This variant has not been identified in the general population by the Genome Aggregation Database (gnomAD). The available evidence is insufficient to determine the role of this variant in disease conclusively. Therefore, this variant is classified as a Variant of Uncertain Significance.

Genotypic Technology Pvt Ltd
Classification: Uncertain significance for Hypertrophic cardiomyopathy. Last evaluated: 2022-11-08. Review status: no assertion criteria provided. Collection method: clinical testing. Allele origin: germline. Inheritance: Autosomal dominant inheritance. Affected: yes. Not counted in ClinVar's aggregate classification.

NM_001943.5(DSG2):c.1729G>C (p.Gly577Arg)

Gene: DSG2 (desmoglein 2; plus strand). Cytogenetic location: 18q12.1.
Variant type: single nucleotide variant.
Coding change: c.1729G>C on transcript NM_001943.5 (MANE Select); coding-DNA position 1729, G replaced by C.
Protein change: p.Gly577Arg; replaces glycine 577 with arginine.
Molecular consequence: missense variant.
Genome position (GRCh38, 1-based): chr18:31,538,828, G>C. VCF-style: chr18-31538828-G-C. GRCh37 (hg19) VCF-style: chr18-29118791-G-C.
Other names: short protein forms G577R.
Identifiers: ClinVar variation 2260291 (VCV002260291.30), dbSNP rs2073247973, ClinGen allele CA402137275.